The following is an entry in ClinVar:

ClinVar aggregate classification (germline): Uncertain significance (1 of 4 stars; one submission).

Allele frequency attached by ClinVar (database versions not stated): gnomAD exomes below 0.00001.

Submission:

Labcorp Genetics (formerly Invitae), Labcorp
Classification: Uncertain significance. Last evaluated: 2022-11-08. Review status: criteria provided, single submitter. Criteria: Invitae Variant Classification Sherloc (09022015). Collection method: clinical testing. Allele origin: germline.
Comment: In summary, the available evidence is currently insufficient to determine the role of this variant in disease. Therefore, it has been classified as a Variant of Uncertain Significance. Algorithms developed to predict the effect of missense changes on protein structure and function are either unavailable or do not agree on the potential impact of this missense change (SIFT: "Deleterious"; PolyPhen-2: "Possibly Damaging"; Align-GVGD: "Class C0"). This variant has not been reported in the literature in individuals affected with SPEG-related conditions. The frequency data for this variant in the population databases is considered unreliable, as metrics indicate poor data quality at this position in the gnomAD database. This sequence change replaces alanine, which is neutral and non-polar, with valine, which is neutral and non-polar, at codon 110 of the SPEG protein (p.Ala110Val).

NM_005876.5(SPEG):c.329C>T (p.Ala110Val)

Gene: SPEG (striated muscle enriched protein kinase; plus strand). Cytogenetic location: 2q35.
Variant type: single nucleotide variant.
Coding change: c.329C>T on transcript NM_005876.5 (MANE Select); coding-DNA position 329, C replaced by T.
Protein change: p.Ala110Val; replaces alanine 110 with valine.
Molecular consequence: missense variant.
Genome position (GRCh38, 1-based): chr2:219,435,306, C>T. VCF-style: chr2-219435306-C-T. GRCh37 (hg19) VCF-style: chr2-220300028-C-T.
Other names: short protein forms A110V.
Identifiers: ClinVar variation 1982809 (VCV001982809.3), dbSNP rs1325917772, ClinGen allele CA350704329.
Genomic context (GRCh38, chr2:219,435,306, plus strand): 5'-CCAGCTGCCTGTGGCTGCGGCGCTGCGGGGCGCAGGACGCCGGCGTGTACAGCTGCATGG[C>T]CCAGAACGAGCGGGGCCGGGCCTCCTGCGAGGCGGTGCTCACAGTGCTGGAGGTCGGAGG-3'
Protein context (NP_005867.3, residues 100-120): AQDAGVYSCM[Ala110Val]QNERGRASCE